The following is an entry in ClinVar:

NM_024928.5(STN1):c.581+2dup

Gene: STN1 (STN1 subunit of CST complex; minus strand). Cytogenetic location: 10q24.33.
Variant type: Duplication.
Coding change: c.581+2dup on transcript NM_024928.5 (MANE Select); the canonical splice donor site of the intron after coding-DNA position 581, one base duplicated (T; older notation c.581+2dupT).
Molecular consequence: splice donor variant.
Genome position (GRCh38, 1-based): chr10:103,898,875, A duplicated on the plus strand (T on the coding strand, the reverse complement: STN1 is on the minus strand). VCF-style (leftmost placement, unchanged base first): chr10-103898874-T-TA. GRCh37 (hg19) VCF-style: chr10-105658632-T-TA.
Identifiers: ClinVar variation 2110056 (VCV002110056.4), dbSNP rs1189588774, ClinGen allele CA595683374.
Genomic context (GRCh38, chr10:103,898,874, plus strand): 5'-GGGCTCAGCTGCTTCAGTTTTCTGCCGTGGTCACGTGCTCAGCAGTGATAAGTCACCACT[T>TA]ACCTTAGTGCCTCTTCTTTCTCTAGGGCTGAGCTGTGAAAAGGCTGGTCATAAACTTTCC-3'

ClinVar aggregate classification (germline): Uncertain significance (1 of 4 stars; one submission).

Allele frequency attached by ClinVar (database versions not stated): gnomAD exomes below 0.00001.

Submission:

Labcorp Genetics (formerly Invitae), Labcorp
Classification: Uncertain significance. Last evaluated: 2022-03-18. Review status: criteria provided, single submitter. Criteria: Invitae Variant Classification Sherloc (09022015). Collection method: clinical testing. Allele origin: germline.
Comment: This sequence change falls in intron 6 of the STN1 gene. It does not directly change the encoded amino acid sequence of the STN1 protein. It affects a nucleotide within the consensus splice site. This variant is present in population databases (no rsID available, gnomAD 0.003%). This variant has not been reported in the literature in individuals affected with STN1-related conditions. Variants that disrupt the consensus splice site are a relatively common cause of aberrant splicing (PMID: 17576681, 9536098). Algorithms developed to predict the effect of sequence changes on RNA splicing suggest that this variant may disrupt the consensus splice site. In summary, the available evidence is currently insufficient to determine the role of this variant in disease. Therefore, it has been classified as a Variant of Uncertain Significance.

Literature cited by the submitters: PubMed 17576681; PubMed 9536098.